The following is an entry in ClinVar:

NM_001369.3(DNAH5):c.8821-1G>T

Gene: DNAH5 (dynein axonemal heavy chain 5; minus strand). Cytogenetic location: 5p15.2.
Variant type: single nucleotide variant.
Coding change: c.8821-1G>T on transcript NM_001369.3 (MANE Select); the canonical splice acceptor site of the intron before coding-DNA position 8821, G replaced by T.
Molecular consequence: splice acceptor variant.
Genome position (GRCh38, 1-based): chr5:13,780,960, C>A on the plus strand (G>T on the coding strand, the complement: DNAH5 is on the minus strand). VCF-style: chr5-13780960-C-A. GRCh37 (hg19) VCF-style: chr5-13781069-C-A.
Identifiers: ClinVar variation 1076155 (VCV001076155.9), dbSNP rs1060501454, ClinGen allele CA359213002.

ClinVar aggregate classification (germline): Pathogenic. Review status: criteria provided, multiple submitters, no conflicts (2 of 4 stars). 2 submissions from 2 submitters: Pathogenic (2). Last evaluated 2023-07-07.

Conditions:
Primary ciliary dyskinesia. Also called: Ciliary dyskinesia. Identifiers: Orphanet 244, MedGen C0008780, MONDO:0016575, HP:0012265.
Primary ciliary dyskinesia 3. Identifiers: Orphanet 244, MedGen C1837618, MONDO:0012085, OMIM 608644.

gnomAD v4.1: 6 of 1,613,522 alleles (0.00037%); highest among the groups gnomAD compares: Non-Finnish European, 0.00051%; no homozygotes.

Submissions (2):

Labcorp Genetics (formerly Invitae), Labcorp
Classification: Pathogenic for Primary ciliary dyskinesia. Last evaluated: 2023-07-07. Review status: criteria provided, single submitter. Criteria: Invitae Variant Classification Sherloc (09022015). Collection method: clinical testing. Allele origin: germline.
Comment: For these reasons, this variant has been classified as Pathogenic. Algorithms developed to predict the effect of sequence changes on RNA splicing suggest that this variant may disrupt the consensus splice site. ClinVar contains an entry for this variant (Variation ID: 1076155). Disruption of this splice site has been observed in individual(s) with primary ciliary dyskinesia (Invitae). This variant is present in population databases (no rsID available, gnomAD 0.0009%). This sequence change affects an acceptor splice site in intron 52 of the DNAH5 gene. It is expected to disrupt RNA splicing. Variants that disrupt the donor or acceptor splice site typically lead to a loss of protein function (PMID: 16199547), and loss-of-function variants in DNAH5 are known to be pathogenic (PMID: 11788826, 16627867).

Juno Genomics, Hangzhou Juno Genomics, Inc
Classification: Pathogenic for Primary ciliary dyskinesia 3. Review status: criteria provided, single submitter. Criteria: ACMG Guidelines, 2015. Collection method: clinical testing. Allele origin: germline.
Comment: Absent from controls (or at extremely low frequency if recessive) in Genome Aggregation Database.;Null variant in a gene where loss of function (LOF) is a known mechanism of disease.;For recessive disorders, detected in trans with a pathogenic variant.

Literature cited by the submitters: PubMed 16199547 (cited by Labcorp Genetics (formerly Invitae), Labcorp); PubMed 11788826 (cited by Labcorp Genetics (formerly Invitae), Labcorp); PubMed 16627867 (cited by Labcorp Genetics (formerly Invitae), Labcorp).